The following is an entry in ClinVar:

ClinVar aggregate classification (germline): Uncertain significance (1 of 4 stars; one submission).

Submission:

GeneDx
Classification: Uncertain significance. Last evaluated: 2023-02-16. Review status: criteria provided, single submitter. Criteria: GeneDx Variant Classification Process June 2021. Collection method: clinical testing. Allele origin: germline. Affected: yes.
Comment: Not observed at significant frequency in large population cohorts (gnomAD); In silico analysis supports that this missense variant has a deleterious effect on protein structure/function; Has not been previously published as pathogenic or benign to our knowledge

NM_030665.4(RAI1):c.1646A>C (p.Lys549Thr)

Gene: RAI1 (retinoic acid induced 1; plus strand). Cytogenetic location: 17p11.2.
Variant type: single nucleotide variant.
Coding change: c.1646A>C on transcript NM_030665.4 (MANE Select); coding-DNA position 1646, A replaced by C.
Protein change: p.Lys549Thr; replaces lysine 549 with threonine.
Molecular consequence: missense variant.
Genome position (GRCh38, 1-based): chr17:17,794,594, A>C. VCF-style: chr17-17794594-A-C. GRCh37 (hg19) VCF-style: chr17-17697908-A-C.
Other names: short protein forms K549T.
Identifiers: ClinVar variation 2579562 (VCV002579562.1), dbSNP rs2508577099, ClinGen allele CA398548890.
Genomic context (GRCh38, chr17:17,794,594, plus strand): 5'-TCCTCTACTGCAACCAGGCCCGTGGCAGCCCTGCCAGGGTCAACAGCAACTCGAAGGCCA[A>C]GCCCGAGTCCGTGTCCACCTGTTCTGTGACCTCTCCTGACGACATGTCCACCAAATCTGA-3'
Protein context (NP_109590.3, residues 539-559): PARVNSNSKA[Lys549Thr]PESVSTCSVT